The following is an entry in ClinVar:

ClinVar aggregate classification (germline): Conflicting classifications of pathogenicity. Review status: criteria provided, conflicting classifications (1 of 4 stars). 12 submissions from 11 submitters: Uncertain significance (2); Benign (4); Likely benign (3). 3 of the submissions do not count toward it. Last evaluated 2026-08-01.

Conditions:
CDH23-related disorder. Also called: CDH23-related disorders; CDH23-related condition.
Usher syndrome type 1 (USH1). Also called: RETINITIS PIGMENTOSA AND CONGENITAL DEAFNESS. Identifiers: Orphanet 231169, Orphanet 886, MedGen C1568247, MONDO:0010168, OMIM 276900.
Autosomal recessive nonsyndromic hearing loss 12. Also called: DEAFNESS, AUTOSOMAL RECESSIVE 12. Identifiers: Orphanet 90636, MedGen C1832394, MONDO:0011067, OMIM 601386.
Usher syndrome type 1D (USH1D). Also called: USHER SYNDROME, TYPE ID. Identifiers: Orphanet 231169, Orphanet 886, MedGen C1832845, MONDO:0010984, OMIM 601067.

Allele frequency attached by ClinVar (database versions not stated): 1000 Genomes Project 0.00100; gnomAD exomes 0.00255; gnomAD 0.00272 and 0.00295; ESP Exome Variant Server 0.00296; 1000 Genomes Project 30x 0.00109; TOPMed 0.00270; ExAC 0.00334.
gnomAD v4.1: 5,779 of 1,593,284 alleles (0.36%); highest among the groups gnomAD compares: Non-Finnish European, 0.45%; 18 homozygotes.

Submissions (12):

CeGaT Center for Human Genetics Tuebingen
Classification: Likely benign. Last evaluated: 2026-08-01. Review status: criteria provided, single submitter. Criteria: CeGaT Center For Human Genetics Tuebingen Variant Classification Criteria Version 2. Collection method: clinical testing. Allele origin: germline. Affected: yes. Observed: 18 variant alleles.
Comment: CDH23: BP4, BP7, BS2

PreventionGenetics, part of Exact Sciences
Classification: Likely benign for CDH23-related condition. Last evaluated: 2026-02-24. Review status: criteria provided, single submitter. Criteria: ACMG Guidelines, 2015. Collection method: clinical testing. Allele origin: germline.
Comment: This variant is classified as likely benign based on ACMG/AMP sequence variant interpretation guidelines (Richards et al. 2015 PMID: 25741868, with internal and published modifications).

Labcorp Genetics (formerly Invitae), Labcorp
Classification: Benign. Last evaluated: 2026-02-04. Review status: criteria provided, single submitter. Criteria: Invitae Variant Classification Sherloc (09022015). Collection method: clinical testing. Allele origin: germline.

Blueprint Genetics
Classification: Likely benign. Last evaluated: 2024-11-27. Review status: criteria provided, single submitter. Criteria: ACMG Guidelines, 2015. Collection method: clinical testing. Allele origin: germline.

GeneDx
Classification: Benign. Last evaluated: 2019-05-09. Review status: criteria provided, single submitter. Criteria: GeneDx Variant Classification Process June 2021. Collection method: clinical testing. Allele origin: germline. Affected: yes.
Comment: This variant is associated with the following publications: (PMID: 28912962, 22135276)

Athena Diagnostics
Classification: Benign. Last evaluated: 2019-03-11. Review status: criteria provided, single submitter. Criteria: Athena Diagnostics Criteria. Collection method: clinical testing. Allele origin: germline.

Illumina Laboratory Services, Illumina
Classification: Uncertain significance for Usher syndrome type 1D. Last evaluated: 2018-01-13. Review status: criteria provided, single submitter. Criteria: ICSL Variant Classification Criteria 13 December 2019. Collection method: clinical testing. Allele origin: germline.

Illumina Laboratory Services, Illumina
Classification: Uncertain significance for Autosomal recessive nonsyndromic hearing loss 12. Last evaluated: 2018-01-13. Review status: criteria provided, single submitter. Criteria: ICSL Variant Classification Criteria 13 December 2019. Collection method: clinical testing. Allele origin: germline.

Laboratory for Molecular Medicine, Mass General Brigham Personalized Medicine
Classification: Benign. Last evaluated: 2012-04-17. Review status: criteria provided, single submitter. Criteria: LMM Criteria. Collection method: clinical testing. Allele origin: germline. Observed: 21 variant alleles.
Comment: Tyr2574Tyr in exon 55 of CDH23: This variant is not expected to have clinical si gnificance because it does not alter an amino acid residue, is not located withi n the splice consensus sequence and has been identified in 0.4% (28/6796) of Eur opean American chromosomes in a broad population by the NHLBI Exome sequencing p roject (dbSNP rs111033483).

Natera, Inc.
Classification: Benign for Usher syndrome type 1. Last evaluated: 2019-10-21. Review status: no assertion criteria provided. Collection method: clinical testing. Allele origin: germline. Not counted in ClinVar's aggregate classification.

Clinical Genetics DNA and cytogenetics Diagnostics Lab, Erasmus MC, Erasmus Medical Center
Classification: Likely benign. Review status: no assertion criteria provided. Collection method: clinical testing. Allele origin: germline. Affected: yes. Study: VKGL Data-share Consensus. Not counted in ClinVar's aggregate classification.

Clinical Genetics, Academic Medical Center
Classification: Benign. Review status: no assertion criteria provided. Collection method: clinical testing. Allele origin: germline. Affected: yes. Study: VKGL Data-share Consensus. Not counted in ClinVar's aggregate classification.

Literature cited by the submitters: PubMed 22135276 (cited by Athena Diagnostics); PubMed 28912962 (cited by Athena Diagnostics).

NM_022124.6(CDH23):c.7722C>T (p.Tyr2574=)

Gene: CDH23 (cadherin related 23; plus strand). Cytogenetic location: 10q22.1.
Variant type: single nucleotide variant.
Coding change: c.7722C>T on transcript NM_022124.6 (MANE Select); coding-DNA position 7722, C replaced by T.
Protein change: p.Tyr2574=; no amino-acid change (tyrosine 2574 retained).
Molecular consequence: synonymous variant.
Genome position (GRCh38, 1-based): chr10:71,803,270, C>T. VCF-style: chr10-71803270-C-T. GRCh37 (hg19) VCF-style: chr10-73563027-C-T.
Other names: c.1002C>T, p.Tyr334= (NM_001171933.1, NM_001171934.1).
Identifiers: ClinVar variation 46037 (VCV000046037.49), dbSNP rs111033483, ClinGen allele CA137581.